The following is an entry in ClinVar:

ClinVar aggregate classification (germline): Benign. Review status: criteria provided, multiple submitters, no conflicts (2 of 4 stars). 2 submissions from 2 submitters: Benign (2). Last evaluated 2018-06-18.

Allele frequency attached by ClinVar (database versions not stated): 1000 Genomes Project 0.29992; 1000 Genomes Project 30x 0.30434; TOPMed 0.34662; gnomAD 0.34832 and 0.35398.
gnomAD v4.1: 68,212 of 201,938 alleles (34%); highest among the groups gnomAD compares: Non-Finnish European, 36%; 12,444 homozygotes.

Submissions (2):

GeneDx
Classification: Benign. Last evaluated: 2018-06-18. Review status: criteria provided, single submitter. Criteria: GeneDx Variant Classification (06012015). Collection method: clinical testing. Allele origin: germline. Affected: yes.
Comment: This variant is considered likely benign or benign based on one or more of the following criteria: it is a conservative change, it occurs at a poorly conserved position in the protein, it is predicted to be benign by multiple in silico algorithms, and/or has population frequency not consistent with disease.

Breakthrough Genomics
Classification: Benign. Review status: criteria provided, single submitter. Criteria: ACMG Guidelines, 2015. Collection method: not provided. Allele origin: germline. Inheritance: Unknown mechanism. Affected: yes.

NM_001032283.3(TMPO):c.280-321C>T

Gene: TMPO (thymopoietin; plus strand). Cytogenetic location: 12q23.1.
Variant type: single nucleotide variant.
Coding change: c.280-321C>T on transcript NM_001032283.3 (MANE Select); 321 bases into the intron before coding-DNA position 280, C replaced by T.
Molecular consequence: intron variant.
Genome position (GRCh38, 1-based): chr12:98,527,565, C>T. VCF-style: chr12-98527565-C-T. GRCh37 (hg19) VCF-style: chr12-98921343-C-T.
Other names: c.280-321C>T (NM_003276.2, NM_001307975.2, NM_001032284.3).
Identifiers: ClinVar variation 684070 (VCV000684070.2), dbSNP rs7135956, ClinGen allele CA15726306.
Genomic context (GRCh38, chr12:98,527,565, plus strand): 5'-ATAGCTAGACCCTGTATCATTAAAAAAAAAAAAAAAAAGGTTATTTAAAAGAAAATGTTA[C>T]CCAAAGTCAGTTTTACTTTTAGTTGCTCTTTTGCATTTTTGATGCCATTACTATCTCTTT-3'